The following is an entry in ClinVar:

ClinVar aggregate classification (germline): Uncertain significance (1 of 4 stars; one submission).

Conditions:
Cohen syndrome (COH1). Also called: Cutis verticis gyrata, retinitis pigmentosa, and sensorineural deafness; PEPPER SYNDROME. Identifiers: Orphanet 193, MedGen C0265223, MONDO:0008999, OMIM 216550.

Submission:

Myriad Genetics, Inc.
Classification: Uncertain significance for Cohen syndrome. Last evaluated: 2026-03-06. Review status: criteria provided, single submitter. Criteria: Myriad Autosomal Dominant, Autosomal Recessive and X-Linked Classification Criteria (2023). Collection method: clinical testing. Allele origin: unknown.
Comment: NM_017890.4(VPS13B):c.758_760dupTTA(I253dup) is an in-frame insertion classified as a variant of uncertain significance in the context of Cohen syndrome. I253dup has not been observed in cases with relevant disease. Relevant functional assessments of this variant are not available in the literature. I253dup has not been observed in referenced population frequency databases. In summary, there is insufficient evidence to classify NM_017890.4(VPS13B):c.758_760dupTTA(I253dup) as pathogenic or benign. Please note: this variant was assessed in the context of healthy population screening.

NM_152564.5(VPS13B):c.755TTA[3] (p.Ile253_Lys254insIle)

Gene: VPS13B (vacuolar protein sorting 13 homolog B; plus strand). Cytogenetic location: 8q22.2.
Variant type: Microsatellite.
Coding change: c.755TTA[3] on transcript NM_152564.5 (MANE Select); three copies in a row of the 3-base unit TTA starting at c.755; the reference has two copies in a row; one copy, 3 bases duplicated.
Protein change: p.Ile253_Lys254insIle.
Molecular consequence: inframe insertion. On other transcripts: non-coding transcript variant (1).
Genome position (GRCh38, 1-based): chr8:99,111,275-99,111,277, TTA duplicated; duplicating any 3 consecutive bases within chr8:99,111,272-99,111,277 gives the same sequence; the position shown is the placement nearest the transcript's 3' end. VCF-style (leftmost placement, unchanged base first): chr8-99111271-G-GTTA. GRCh37 (hg19) VCF-style: chr8-100123499-G-GTTA.
Other names: c.755TTA[3], p.Ile253_Lys254insIle (NM_015243.3, NM_017890.5, NM_181661.3).
Identifiers: ClinVar variation 5003816 (VCV005003816.1).